The following is an entry in ClinVar:

NM_004960.4(FUS):c.52C>T (p.Pro18Ser)

Gene: FUS (FUS RNA binding protein; plus strand). Cytogenetic location: 16p11.2.
Variant type: single nucleotide variant.
Coding change: c.52C>T on transcript NM_004960.4 (MANE Select); coding-DNA position 52, C replaced by T.
Protein change: p.Pro18Ser; replaces proline 18 with serine.
Molecular consequence: missense variant. On other transcripts: non-coding transcript variant (1).
Genome position (GRCh38, 1-based): chr16:31,182,526, C>T. VCF-style: chr16-31182526-C-T. GRCh37 (hg19) VCF-style: chr16-31193847-C-T.
Other names: c.52C>T, p.Pro18Ser (NM_001170634.1, NM_001170937.1); short protein forms P18S.
Identifiers: ClinVar variation 887477 (VCV000887477.16), dbSNP rs144888138, ClinGen allele CA8023439.

ClinVar aggregate classification (germline): Uncertain significance. Review status: criteria provided, multiple submitters, no conflicts (2 of 4 stars). 3 submissions from 3 submitters: Uncertain significance (3). Last evaluated 2026-07-20.

Conditions:
FUS-related disorder. Also called: FUS-related condition.
Tremor, hereditary essential, 4 (ETM4). Identifiers: MedGen C3539195, MONDO:0013888, OMIM 614782.
Amyotrophic lateral sclerosis type 6. Also called: Amyotrophic lateral sclerosis 6, with or without frontotemporal dementia; FUS-Related Amyotrophic Laterial Sclerosis; AMYOTROPHIC LATERAL SCLEROSIS 6 WITHOUT FRONTOTEMPORAL DEMENTIA. Identifiers: Orphanet 275872, Orphanet 803, MedGen C2931786, MONDO:0011951, OMIM 608030.

Allele frequency attached by ClinVar (database versions not stated): TOPMed 0.00010; ESP Exome Variant Server 0.00015.
gnomAD v4.1: 85 of 1,613,996 alleles (0.0053%); highest among the groups gnomAD compares: Non-Finnish European, 0.0066%; no homozygotes.

Submissions (3):

PreventionGenetics, part of Exact Sciences
Classification: Uncertain significance for FUS-related condition. Last evaluated: 2026-07-20. Review status: criteria provided, single submitter. Criteria: ACMG Guidelines, 2015. Collection method: clinical testing. Allele origin: germline.
Comment: The FUS c.52C>T variant is predicted to result in the amino acid substitution p.Pro18Ser. This variant has been reported in two unrelated individuals with amyotrophic lateral sclerosis (ALS, Belzil et al. 2011. PubMed ID: 21261515) and in an individual with early onset frontotemporal dementia (FTD), although the association of this variant with disease was uncertain (Table S3, Koriath et al. 2018. PubMed ID: 30279455). An in vitro functional study demonstrated decreased G4-RNA binding and also a reduction in transition of FUS condensate from liquid to solid phase (Ishiguro et al. 2021. PubMed ID: 34624313). This variant is reported in 0.0070% of alleles in individuals of European (non-Finnish) descent in gnomAD. An alternative substitition affecting the same amino acid (Pro18Thr) has been reported as uncertain (see for example, Table S1, Hu. 2024. PubMed ID: 37952009). At this time, the clinical significance of this variant is uncertain due to the absence of conclusive functional and genetic evidence.

Labcorp Genetics (formerly Invitae), Labcorp
Classification: Uncertain significance for Tremor, hereditary essential, 4; Amyotrophic lateral sclerosis type 6. Last evaluated: 2020-07-30. Review status: criteria provided, single submitter. Criteria: Invitae Variant Classification Sherloc (09022015). Collection method: clinical testing. Allele origin: germline.
Comment: This variant is present in population databases (rs144888138, ExAC 0.007%). In summary, the available evidence is currently insufficient to determine the role of this variant in disease. Therefore, it has been classified as a Variant of Uncertain Significance. Algorithms developed to predict the effect of missense changes on protein structure and function (SIFT, PolyPhen-2, Align-GVGD) all suggest that this variant is likely to be tolerated, but these predictions have not been confirmed by published functional studies and their clinical significance is uncertain. This variant has been observed in individuals affected with frontotemporal dementia and in individuals affected with amyotrophic lateral sclerosis; however, this variant has also been observed in unaffected control individuals (PMID: 30279455, 21261515, 25631824, 24080306). This sequence change replaces proline with serine at codon 18 of the FUS protein (p.Pro18Ser). The proline residue is moderately conserved and there is a moderate physicochemical difference between proline and serine.

Illumina Laboratory Services, Illumina
Classification: Uncertain significance for Amyotrophic lateral sclerosis type 6. Last evaluated: 2017-04-27. Review status: criteria provided, single submitter. Criteria: ICSL Variant Classification Criteria 13 December 2019. Collection method: clinical testing. Allele origin: germline.
Comment: This variant was observed as part of a predisposition screen in an ostensibly healthy population. A literature search was performed for the gene, cDNA change, and amino acid change (where applicable). Publications were found based on this search. However, the evidence from the literature, in combination with allele frequency data from public databases where available, was not sufficient to rule this variant in or out of causing disease. Therefore, this variant is classified as a variant of unknown significance.

Literature cited by the submitters: PubMed 30279455 (cited by Labcorp Genetics (formerly Invitae), Labcorp); PubMed 21261515 (cited by Labcorp Genetics (formerly Invitae), Labcorp and Illumina Laboratory Services, Illumina); PubMed 25631824 (cited by Labcorp Genetics (formerly Invitae), Labcorp); PubMed 24080306 (cited by Labcorp Genetics (formerly Invitae), Labcorp and Illumina Laboratory Services, Illumina).